The following is an entry in ClinVar:

ClinVar aggregate classification (germline): Uncertain significance (1 of 4 stars; one submission).

Conditions:
Inborn genetic diseases. Identifiers: MedGen C0950123, MeSH D030342.

Allele frequency attached by ClinVar (database versions not stated): TOPMed below 0.00001; ExAC 0.00001; ESP Exome Variant Server 0.00008.

Submission:

Ambry Genetics
Classification: Uncertain significance for Inborn genetic diseases. Last evaluated: 2022-01-07. Review status: criteria provided, single submitter. Criteria: Ambry Variant Classification Scheme 2023. Collection method: clinical testing. Allele origin: germline.
Comment: The p.V1697A variant (also known as c.5090T>C), located in coding exon 8 of the SETX gene, results from a T to C substitution at nucleotide position 5090. The valine at codon 1697 is replaced by alanine, an amino acid with similar properties. This amino acid position is conserved. In addition, this alteration is predicted to be tolerated by in silico analysis. Since supporting evidence is limited at this time, the clinical significance of this alteration remains unclear.

NM_015046.7(SETX):c.5090T>C (p.Val1697Ala)

Gene: SETX (senataxin; minus strand). Cytogenetic location: 9q34.13.
Variant type: single nucleotide variant.
Coding change: c.5090T>C on transcript NM_015046.7 (MANE Select); coding-DNA position 5090, T replaced by C.
Protein change: p.Val1697Ala; replaces valine 1697 with alanine.
Molecular consequence: missense variant.
Genome position (GRCh38, 1-based): chr9:132,326,508, A>G on the plus strand (T>C on the coding strand, the complement: SETX is on the minus strand). VCF-style: chr9-132326508-A-G. GRCh37 (hg19) VCF-style: chr9-135201895-A-G.
Other names: c.5090T>C, p.Val1697Ala (NM_001351527.2, NM_001351528.2); short protein forms V1697A.
Identifiers: ClinVar variation 1745276 (VCV001745276.2), dbSNP rs149999689, ClinGen allele CA5297072.